The following is an entry in ClinVar:

ClinVar aggregate classification (germline): Benign/Likely benign. Review status: criteria provided, multiple submitters, no conflicts (2 of 4 stars). 5 submissions from 4 submitters: Benign (2); Likely benign (3). Last evaluated 2026-01-15.

Conditions:
Freeman-Sheldon syndrome (DA2A). Also called: CRANIOCARPOTARSAL DYSPLASIA; CRANIOCARPOTARSAL DYSTROPHY; WHISTLING FACE-WINDMILL VANE HAND SYNDROME; Arthrogryposis, distal, type 2A (Freeman-Sheldon). Identifiers: Orphanet 2053, MedGen C0265224, MONDO:0008675, OMIM 193700.
Distal arthrogryposis type 2B1 (DA2B1). Also called: Arthrogryposis multiplex congenita distal type II with craniofacial abnormalities. Identifiers: Orphanet 1147, MedGen C5193014, MONDO:0020820, OMIM 601680.

Allele frequency attached by ClinVar (database versions not stated): gnomAD exomes 0.00024 and 0.00070; ExAC 0.00091; gnomAD 0.00239 and 0.00250; TOPMed 0.00265; ESP Exome Variant Server 0.00308; 1000 Genomes Project 0.00319; 1000 Genomes Project 30x 0.00328.
gnomAD v4.1: 721 of 1,614,120 alleles (0.045%); highest among the groups gnomAD compares: African/African-American, 0.87%; 7 homozygotes.

Submissions (5):

Labcorp Genetics (formerly Invitae), Labcorp
Classification: Benign. Last evaluated: 2026-01-15. Review status: criteria provided, single submitter. Criteria: Invitae Variant Classification Sherloc (09022015). Collection method: clinical testing. Allele origin: germline.

Blueprint Genetics
Classification: Likely benign. Last evaluated: 2024-06-12. Review status: criteria provided, single submitter. Criteria: ACMG Guidelines, 2015. Collection method: clinical testing. Allele origin: germline.

Illumina Laboratory Services, Illumina
Classification: Benign for Freeman-Sheldon syndrome. Last evaluated: 2018-01-12. Review status: criteria provided, single submitter. Criteria: ICSL Variant Classification Criteria 13 December 2019. Collection method: clinical testing. Allele origin: germline.
Comment: This variant was observed in the ICSL laboratory as part of a predisposition screen in an ostensibly healthy population. It had not been previously curated by ICSL or reported in the Human Gene Mutation Database (HGMD: prior to June 1st, 2018), and was therefore a candidate for classification through an automated scoring system. Utilizing variant allele frequency, disease prevalence and penetrance estimates, and inheritance mode, an automated score was calculated to assess if this variant is too frequent to cause the disease. Based on the score and internal cut-off values, a variant classified as benign is not then subjected to further curation. The score for this variant resulted in a classification of benign for this disease.

Illumina Laboratory Services, Illumina
Classification: Likely benign for Distal arthrogryposis type 2B1. Last evaluated: 2018-01-12. Review status: criteria provided, single submitter. Criteria: ICSL Variant Classification Criteria 13 December 2019. Collection method: clinical testing. Allele origin: germline.
Comment: This variant was observed in the ICSL laboratory as part of a predisposition screen in an ostensibly healthy population. It had not been previously curated by ICSL or reported in the Human Gene Mutation Database (HGMD: prior to June 1st, 2018), and was therefore a candidate for classification through an automated scoring system. Utilizing variant allele frequency, disease prevalence and penetrance estimates, and inheritance mode, an automated score was calculated to assess if this variant is too frequent to cause the disease. Based on the score and internal cut-off values, a variant classified as likely benign is not then subjected to further curation. The score for this variant resulted in a classification of likely benign for this disease.

PreventionGenetics, part of Exact Sciences
Classification: Likely benign. Review status: criteria provided, single submitter. Criteria: ACMG Guidelines, 2015. Collection method: clinical testing. Allele origin: germline.

NM_002470.4(MYH3):c.5109G>A (p.Ala1703=)

Gene: MYH3 (myosin heavy chain 3; minus strand). Cytogenetic location: 17p13.1.
Variant type: single nucleotide variant.
Coding change: c.5109G>A on transcript NM_002470.4 (MANE Select); coding-DNA position 5109, G replaced by A.
Protein change: p.Ala1703=; no amino-acid change (alanine 1703 retained).
Molecular consequence: synonymous variant.
Genome position (GRCh38, 1-based): chr17:10,631,864, C>T on the plus strand (G>A on the coding strand, the complement: MYH3 is on the minus strand). VCF-style: chr17-10631864-C-T. GRCh37 (hg19) VCF-style: chr17-10535181-C-T.
Identifiers: ClinVar variation 258693 (VCV000258693.15), dbSNP rs114770362, ClinGen allele CA8392043.